The following is an entry in ClinVar:

NM_000133.4(F9):c.265A>T (p.Lys89Ter)

Gene: F9 (coagulation factor IX; plus strand). Cytogenetic location: Xq27.1.
Variant type: single nucleotide variant.
Coding change: c.265A>T on transcript NM_000133.4 (MANE Select); coding-DNA position 265, A replaced by T.
Protein change: p.Lys89Ter; replaces lysine 89 with a stop codon.
Molecular consequence: nonsense.
Genome position (GRCh38, 1-based): chrX:139,537,374, A>T. VCF-style: chrX-139537374-A-T. GRCh37 (hg19) VCF-style: chrX-138619533-A-T.
Other names: p.Lys89*; c.265A>T, p.Lys89Ter (NM_001313913.2); short protein forms K89*.
Identifiers: ClinVar variation 3380932 (VCV003380932.1).

ClinVar aggregate classification (germline): Likely pathogenic (1 of 4 stars; one submission).

Submission:

Mayo Clinic Laboratories, Mayo Clinic
Classification: Likely pathogenic. Last evaluated: 2024-09-24. Review status: criteria provided, single submitter. Criteria: ACMG Guidelines, 2015. Collection method: clinical testing. Allele origin: germline. Observed: 1 variant allele.
Comment: PM2, PVS1

Literature cited by the submitters: PubMed 24498619.